The following is an entry in ClinVar:

ClinVar aggregate classification (germline): Likely benign. Review status: criteria provided, single submitter (1 of 4 stars). 2 submissions from 2 submitters: Likely benign (1). 1 of the submissions does not count toward it. Last evaluated 2025-05-05.

Conditions:
SLC9A3-related disorder. Also called: SLC9A3-related condition.

Allele frequency attached by ClinVar (database versions not stated): ExAC 0.00002; gnomAD 0.00002; TOPMed 0.00002; gnomAD exomes 0.00003.
gnomAD v4.1: 44 of 1,612,772 alleles (0.0027%); highest among the groups gnomAD compares: Middle Eastern, 0.049%; 1 homozygote.

Submissions (2):

Labcorp Genetics (formerly Invitae), Labcorp
Classification: Likely benign. Last evaluated: 2025-05-05. Review status: criteria provided, single submitter. Criteria: Invitae Variant Classification Sherloc (09022015). Collection method: clinical testing. Allele origin: germline.

PreventionGenetics, part of Exact Sciences
Classification: Likely benign for SLC9A3-related condition. Last evaluated: 2019-05-23. Review status: no assertion criteria provided. Collection method: clinical testing. Allele origin: germline. Not counted in ClinVar's aggregate classification.
Comment: This variant is classified as likely benign based on ACMG/AMP sequence variant interpretation guidelines (Richards et al. 2015 PMID: 25741868, with internal and published modifications).

NM_004174.4(SLC9A3):c.1320C>T (p.Thr440=)

Gene: SLC9A3 (solute carrier family 9 member A3). Cytogenetic location: 5p15.33.
Variant type: single nucleotide variant.
Coding change: c.1320C>T on transcript NM_004174.4 (MANE Select); coding-DNA position 1320, C replaced by T.
Protein change: p.Thr440=; no amino-acid change (threonine 440 retained).
Molecular consequence: synonymous variant.
Genome position (GRCh38, 1-based): chr5:482,584, G>A on the plus strand (C>T on the coding strand, the complement: SLC9A3 is on the minus strand). VCF-style: chr5-482584-G-A. GRCh37 (hg19) VCF-style: chr5-482699-G-A.
Other names: c.1320C>T (NM_004174.3); c.1320C>T, p.Thr440= (NM_001284351.3).
Identifiers: ClinVar variation 1583980 (VCV001583980.10), dbSNP rs759521468, ClinGen allele CA3176009.